The following is an entry in ClinVar:

ClinVar aggregate classification (germline): Uncertain significance (1 of 4 stars; one submission).

Submission:

Women's Health and Genetics/Laboratory Corporation of America, LabCorp
Classification: Uncertain significance. Last evaluated: 2024-12-20. Review status: criteria provided, single submitter. Criteria: LabCorp Variant Classification Summary - May 2015. Collection method: clinical testing. Allele origin: germline.
Comment: Variant summary: PCCB c.1475A>T (p.Asn492Ile) results in a non-conservative amino acid change located in the Acetyl-coenzyme A carboxyltransferase, C-terminal domain (IPR011763) of the encoded protein sequence. Four of five in-silico tools predict a damaging effect of the variant on protein function. The variant was absent in 251272 control chromosomes (gnomAD). c.1475A>T has been reported in the literature in one individual affected with Propionic Acidemia (Stranneheim_2021). These data indicate that the variant may be associated with disease. To our knowledge, no experimental evidence demonstrating an impact on protein function has been reported. The following publication have been ascertained in the context of this evaluation (PMID: 33726816). No submitters have cited clinical-significance assessments for this variant to ClinVar. Based on the evidence outlined above, the variant was classified as VUS-possibly pathogenic.

Literature cited by the submitters: PubMed 33726816.

NM_000532.5(PCCB):c.1475A>T (p.Asn492Ile)

Gene: PCCB (propionyl-CoA carboxylase subunit beta; plus strand). Cytogenetic location: 3q22.3.
Variant type: single nucleotide variant.
Coding change: c.1475A>T on transcript NM_000532.5 (MANE Select); coding-DNA position 1475, A replaced by T.
Protein change: p.Asn492Ile; replaces asparagine 492 with isoleucine.
Molecular consequence: missense variant.
Genome position (GRCh38, 1-based): chr3:136,328,834, A>T. VCF-style: chr3-136328834-A-T. GRCh37 (hg19) VCF-style: chr3-136047676-A-T.
Other names: c.1535A>T, p.Asn512Ile (NM_001178014.2); short protein forms N492I, N512I.
Identifiers: ClinVar variation 3768495 (VCV003768495.1).